The following is an entry in ClinVar:

NM_201596.3(CACNB2):c.406C>A (p.Pro136Thr)

Gene: CACNB2 (calcium voltage-gated channel auxiliary subunit beta 2; plus strand). Cytogenetic location: 10p12.31.
Variant type: single nucleotide variant.
Coding change: c.406C>A on transcript NM_201596.3 (MANE Select); coding-DNA position 406, C replaced by A.
Protein change: p.Pro136Thr; replaces proline 136 with threonine.
Molecular consequence: missense variant.
Genome position (GRCh38, 1-based): chr10:18,498,427, C>A. VCF-style: chr10-18498427-C-A. GRCh37 (hg19) VCF-style: chr10-18787356-C-A.
Other names: c.241C>A, p.Pro81Thr (NM_000724.4, NM_001330060.2); c.322C>A, p.Pro108Thr (NM_001167945.2, NM_201571.4, NM_201572.4); c.262C>A, p.Pro88Thr (NM_001410882.1, NM_201570.3); c.244C>A, p.Pro82Thr (NM_201590.3); c.406C>A, p.Pro136Thr (NM_201593.3, NM_201597.3); short protein forms P81T, P88T, P108T, P136T, P82T.
Identifiers: ClinVar variation 1791454 (VCV001791454.2), dbSNP rs2494327132, ClinGen allele CA376056855.

ClinVar aggregate classification (germline): Uncertain significance (1 of 4 stars; one submission).

Conditions:
Cardiovascular phenotype. Identifiers: MedGen CN230736.

Submission:

Ambry Genetics
Classification: Uncertain significance for Cardiovascular phenotype. Last evaluated: 2021-06-23. Review status: criteria provided, single submitter. Criteria: Ambry Variant Classification Scheme 2023. Collection method: clinical testing. Allele origin: germline.
Comment: The p.P82T variant (also known as c.244C>A), located in coding exon 3 of the CACNB2 gene, results from a C to A substitution at nucleotide position 244. The proline at codon 82 is replaced by threonine, an amino acid with highly similar properties. This amino acid position is conserved. In addition, the in silico prediction for this alteration is inconclusive. Since supporting evidence is limited at this time, the clinical significance of this alteration remains unclear.